The following is an entry in ClinVar:

ClinVar aggregate classification (germline): Likely benign. Review status: criteria provided, multiple submitters, no conflicts (2 of 4 stars). 3 submissions from 3 submitters: Likely benign (3). Last evaluated 2026-09-12.

Conditions:
HK1-related disorder. Also called: HK1-related condition; HK1-related disorders.

Allele frequency attached by ClinVar (database versions not stated): TOPMed 0.00002; gnomAD 0.00003.
gnomAD v4.1: 23 of 1,614,114 alleles (0.0014%); highest among the groups gnomAD compares: Non-Finnish European, 0.0018%; no homozygotes.

Submissions (3):

PreventionGenetics, part of Exact Sciences
Classification: Likely benign for HK1-related condition. Last evaluated: 2026-09-12. Review status: criteria provided, single submitter. Criteria: ACMG Guidelines, 2015. Collection method: clinical testing. Allele origin: germline.
Comment: This variant is classified as likely benign based on ACMG/AMP sequence variant interpretation guidelines (Richards et al. 2015 PMID: 25741868, with internal and published modifications).

Labcorp Genetics (formerly Invitae), Labcorp
Classification: Likely benign. Last evaluated: 2025-01-05. Review status: criteria provided, single submitter. Criteria: Invitae Variant Classification Sherloc (09022015). Collection method: clinical testing. Allele origin: germline.

Blueprint Genetics
Classification: Likely benign. Last evaluated: 2018-09-04. Review status: criteria provided, single submitter. Criteria: ACMG Guidelines, 2015. Collection method: clinical testing. Allele origin: germline.

NM_000188.3(HK1):c.699C>G (p.Gly233=)

Gene: HK1 (hexokinase 1; plus strand). Cytogenetic location: 10q22.1.
Variant type: single nucleotide variant.
Coding change: c.699C>G on transcript NM_000188.3 (MANE Select); coding-DNA position 699, C replaced by G.
Protein change: p.Gly233=; no amino-acid change (glycine 233 retained).
Molecular consequence: synonymous variant.
Genome position (GRCh38, 1-based): chr10:69,369,448, C>G. VCF-style: chr10-69369448-C-G. GRCh37 (hg19) VCF-style: chr10-71129204-C-G.
Other names: c.711C>G, p.Gly237= (NM_001322364.2, NM_001358263.1, NM_033497.3 and 1 more transcripts); c.804C>G, p.Gly268= (NM_001322365.2); c.615C>G, p.Gly205= (NM_001322366.1); c.603C>G, p.Gly201= (NM_001322367.1); c.696C>G, p.Gly232= (NM_033496.3); c.663C>G, p.Gly221= (NM_033500.2).
Identifiers: ClinVar variation 761468 (VCV000761468.7), dbSNP rs768859571, ClinGen allele CA470276201.